The following is an entry in ClinVar:

ClinVar aggregate classification (germline): Uncertain significance (1 of 4 stars; one submission).

Submission:

GeneDx
Classification: Uncertain significance. Last evaluated: 2024-01-09. Review status: criteria provided, single submitter. Criteria: GeneDx Variant Classification Process June 2021. Collection method: clinical testing. Allele origin: germline. Affected: yes.
Comment: Not observed at significant frequency in large population cohorts (gnomAD); In silico analysis supports that this missense variant has a deleterious effect on protein structure/function; Has not been previously published as pathogenic or benign to our knowledge

NM_001171.6(ABCC6):c.420G>C (p.Trp140Cys)

Gene: ABCC6 (ATP binding cassette subfamily C member 6; minus strand). Cytogenetic location: 16p13.11.
Variant type: single nucleotide variant.
Coding change: c.420G>C on transcript NM_001171.6 (MANE Select); coding-DNA position 420, G replaced by C.
Protein change: p.Trp140Cys; replaces tryptophan 140 with cysteine.
Molecular consequence: missense variant. On other transcripts: non-coding transcript variant (1).
Genome position (GRCh38, 1-based): chr16:16,219,608, C>G on the plus strand (G>C on the coding strand, the complement: ABCC6 is on the minus strand). VCF-style: chr16-16219608-C-G. GRCh37 (hg19) VCF-style: chr16-16313465-C-G.
Other names: c.78G>C, p.Trp26Cys (NM_001351800.1); short protein forms W140C, W26C.
Identifiers: ClinVar variation 3367491 (VCV003367491.1).